The following is an entry in ClinVar:

ClinVar aggregate classification (germline): Pathogenic (1 of 4 stars; one submission).

Conditions:
Telangiectasia, hereditary hemorrhagic, type 2 (HHT2). Also called: Telangiectasia, hereditary hemorrhagic, type II; ACVRL1-Related Hereditary Hemorrhagic Telangiectasia. Identifiers: Orphanet 774, MedGen C1838163, MONDO:0010880, OMIM 600376. Disease mechanism: loss of function.

Submission:

Labcorp Genetics (formerly Invitae), Labcorp
Classification: Pathogenic for Telangiectasia, hereditary hemorrhagic, type 2. Last evaluated: 2024-05-31. Review status: criteria provided, single submitter. Criteria: Invitae Variant Classification Sherloc (09022015). Collection method: clinical testing. Allele origin: germline.
Comment: This sequence change creates a premature translational stop signal (p.Glu65Glyfs*104) in the ACVRL1 gene. It is expected to result in an absent or disrupted protein product. Loss-of-function variants in ACVRL1 are known to be pathogenic (PMID: 15879500). This variant is not present in population databases (gnomAD no frequency). This variant has not been reported in the literature in individuals affected with ACVRL1-related conditions. For these reasons, this variant has been classified as Pathogenic.

Literature cited by the submitters: PubMed 15879500.

NM_000020.3(ACVRL1):c.191dup (p.Glu65fs)

Gene: ACVRL1 (activin A receptor like type 1; plus strand). Cytogenetic location: 12q13.13.
Variant type: Duplication.
Coding change: c.191dup on transcript NM_000020.3 (MANE Select); coding-DNA position 191, one base duplicated (A; older notation c.191dupA).
Protein change: p.Glu65fs; shifts the reading frame from glutamic acid 65.
Molecular consequence: frameshift variant. On other transcripts: intron variant (1).
Genome position (GRCh38, 1-based): chr12:51,913,228, A duplicated. VCF-style (leftmost placement, unchanged base first): chr12-51913227-C-CA. GRCh37 (hg19) VCF-style: chr12-52307011-C-CA.
Other names: c.191dup, p.Glu65fs (NM_001077401.2, NM_001406487.1, NM_001406488.1 and 6 more transcripts); c.61+693dup (NM_001406495.1); short protein forms E65fs.
Identifiers: ClinVar variation 2831793 (VCV002831793.3), dbSNP rs2540158727, ClinGen allele CA2739272039.